The following is an entry in ClinVar:

NM_033118.4(MYLK2):c.1763C>T (p.Ser588Leu)

Gene: MYLK2 (myosin light chain kinase 2; plus strand). Cytogenetic location: 20q11.21.
Variant type: single nucleotide variant.
Coding change: c.1763C>T on transcript NM_033118.4 (MANE Select); coding-DNA position 1763, C replaced by T.
Protein change: p.Ser588Leu; replaces serine 588 with leucine.
Molecular consequence: missense variant.
Genome position (GRCh38, 1-based): chr20:31,833,769, C>T. VCF-style: chr20-31833769-C-T. GRCh37 (hg19) VCF-style: chr20-30421572-C-T.
Other names: c.1763C>T (NM_033118.3); short protein forms S588L.
Identifiers: ClinVar variation 1494959 (VCV001494959.9), dbSNP rs973371846, ClinGen allele CA313852011.
Genomic context (GRCh38, chr20:31,833,769, plus strand): 5'-CCCTCTAGAAAAACTTCATTGCTGTCAGCGCTGCCAACCGCTTCAAGAAGATCAGCAGCT[C>T]GGGGGCACTGATGGCTCTGGGGGTCTGAGCCCTGGGCGCAGCTGAAGCCTGGACGCAGCC-3'
Protein context (NP_149109.1, residues 578-596): AANRFKKISS[Ser588Leu]GALMALGV

ClinVar aggregate classification (germline): Uncertain significance. Review status: criteria provided, multiple submitters, no conflicts (2 of 4 stars). 2 submissions from 2 submitters: Uncertain significance (2). Last evaluated 2024-08-23.

Conditions:
Hypertrophic cardiomyopathy 1 (CMH1). Also called: Familial hypertrophic cardiomyopathy 1; MYH7-Related Familial Hypertrophic Cardiomyopathy. Identifiers: MedGen C3495498, MONDO:0008647, OMIM 192600.

Allele frequency attached by ClinVar (database versions not stated): gnomAD exomes below 0.00001; gnomAD 0.00001.
gnomAD v4.1: 3 of 1,613,474 alleles (0.00019%); highest among the groups gnomAD compares: Middle Eastern, 0.016%; no homozygotes.

Submissions (2):

Ambry Genetics
Classification: Uncertain significance. Last evaluated: 2024-08-23. Review status: criteria provided, single submitter. Criteria: Ambry Variant Classification Scheme 2023. Collection method: clinical testing. Allele origin: germline.
Comment: The p.S588L variant (also known as c.1763C>T), located in coding exon 12 of the MYLK2 gene, results from a C to T substitution at nucleotide position 1763. The serine at codon 588 is replaced by leucine, an amino acid with dissimilar properties. This amino acid position is conserved. In addition, this alteration is predicted to be tolerated by in silico analysis. Based on the available evidence, the clinical significance of this variant remains unclear.

Labcorp Genetics (formerly Invitae), Labcorp
Classification: Uncertain significance for Hypertrophic cardiomyopathy 1. Last evaluated: 2022-08-12. Review status: criteria provided, single submitter. Criteria: Invitae Variant Classification Sherloc (09022015). Collection method: clinical testing. Allele origin: germline.
Comment: ClinVar contains an entry for this variant (Variation ID: 1494959). In summary, the available evidence is currently insufficient to determine the role of this variant in disease. Therefore, it has been classified as a Variant of Uncertain Significance. Algorithms developed to predict the effect of missense changes on protein structure and function are either unavailable or do not agree on the potential impact of this missense change (SIFT: "Deleterious"; PolyPhen-2: "Probably Damaging"; Align-GVGD: "Class C0"). This variant has not been reported in the literature in individuals affected with MYLK2-related conditions. This variant is present in population databases (no rsID available, gnomAD 0.03%). This sequence change replaces serine, which is neutral and polar, with leucine, which is neutral and non-polar, at codon 588 of the MYLK2 protein (p.Ser588Leu).